The following is an entry in ClinVar:

ClinVar aggregate classification (germline): Conflicting classifications of pathogenicity. Review status: criteria provided, conflicting classifications (1 of 4 stars). 4 submissions from 4 submitters: Uncertain significance (2); Likely benign (1). 1 of the submissions does not count toward it. Last evaluated 2026-04-02.

Conditions:
Inborn genetic diseases. Identifiers: MedGen C0950123, MeSH D030342.
Cohen syndrome (COH1). Also called: PEPPER SYNDROME; Cutis verticis gyrata, retinitis pigmentosa, and sensorineural deafness. Identifiers: Orphanet 193, MedGen C0265223, MONDO:0008999, OMIM 216550.
VPS13B-related disorder. Also called: VPS13B-related condition.

Allele frequency attached by ClinVar (database versions not stated): TOPMed 0.00014; ESP Exome Variant Server 0.00023; 1000 Genomes Project 0.00040; 1000 Genomes Project 30x 0.00047.
gnomAD v4.1: 68 of 1,614,170 alleles (0.0042%); highest among the groups gnomAD compares: Admixed American, 0.053%; no homozygotes.

Submissions (4):

PreventionGenetics, part of Exact Sciences
Classification: Uncertain significance for VPS13B-related condition. Last evaluated: 2026-04-02. Review status: criteria provided, single submitter. Criteria: ACMG Guidelines, 2015. Collection method: clinical testing. Allele origin: germline.
Comment: The VPS13B c.5528A>T variant is predicted to result in the amino acid substitution p.Glu1843Val. This variant has been reported in three pediatric children with obesity (Melendez-Montanez and Jesus-Rojas. 2024. PubMed ID: 38674329). This variant is reported in 0.032% of alleles in individuals of African descent in gnomAD. At this time, the clinical significance of this variant is uncertain due to the absence of conclusive functional and genetic evidence.

Labcorp Genetics (formerly Invitae), Labcorp
Classification: Likely benign for Cohen syndrome. Last evaluated: 2026-01-21. Review status: criteria provided, single submitter. Criteria: Invitae Variant Classification Sherloc (09022015). Collection method: clinical testing. Allele origin: germline.

Ambry Genetics
Classification: Uncertain significance for Inborn genetic diseases. Last evaluated: 2023-12-21. Review status: criteria provided, single submitter. Criteria: Ambry Variant Classification Scheme 2023. Collection method: clinical testing. Allele origin: germline.

Natera, Inc.
Classification: Uncertain significance for Cohen syndrome. Last evaluated: 2020-02-13. Review status: no assertion criteria provided. Collection method: clinical testing. Allele origin: germline. Not counted in ClinVar's aggregate classification.

NM_152564.5(VPS13B):c.5528A>T (p.Glu1843Val)

Gene: VPS13B (vacuolar protein sorting 13 homolog B; plus strand). Cytogenetic location: 8q22.2.
Variant type: single nucleotide variant.
Coding change: c.5528A>T on transcript NM_152564.5 (MANE Select); coding-DNA position 5528, A replaced by T.
Protein change: p.Glu1843Val; replaces glutamic acid 1843 with valine.
Molecular consequence: missense variant.
Genome position (GRCh38, 1-based): chr8:99,642,118, A>T. VCF-style: chr8-99642118-A-T. GRCh37 (hg19) VCF-style: chr8-100654346-A-T.
Other names: c.5603A>T (NM_017890.3); c.5603A>T, p.Glu1868Val (NM_017890.5); c.5528A>T (NM_152564.4); short protein forms E1843V, E1868V.
Identifiers: ClinVar variation 966951 (VCV000966951.14), dbSNP rs141211386, ClinGen allele CA4823839.
Genomic context (GRCh38, chr8:99,642,118, plus strand): 5'-TAATGACCTATTCCTGTATGGCCTTATCCAAATCGAAATCACAAGAACAGAAGAATAATG[A>T]AAAAACAGACAAGAGTTCATTAAATCTCCCAGAAGTTGATTCAGATGTTGCTAAGCCCAA-3'
Protein context (NP_689777.3, residues 1833-1853): KSKSQEQKNN[Glu1843Val]KTDKSSLNLP